The following is an entry in ClinVar:

NM_020458.4(TTC7A):c.1203+5G>A

Gene: TTC7A (tetratricopeptide repeat domain 7A; plus strand). Cytogenetic location: 2p21.
Variant type: single nucleotide variant.
Coding change: c.1203+5G>A on transcript NM_020458.4 (MANE Select); 5 bases into the intron after coding-DNA position 1203, G replaced by A.
Molecular consequence: intron variant.
Genome position (GRCh38, 1-based): chr2:47,006,064, G>A. VCF-style: chr2-47006064-G-A. GRCh37 (hg19) VCF-style: chr2-47233203-G-A.
Other names: c.1101+5G>A (NM_001288953.2); c.1203+5G>A (NM_001288951.2); c.141+5G>A (NM_001288955.2).
Identifiers: ClinVar variation 2082827 (VCV002082827.4), dbSNP rs780472175, ClinGen allele CA1647535.

ClinVar aggregate classification (germline): Uncertain significance. Review status: criteria provided, multiple submitters, no conflicts (2 of 4 stars). 2 submissions from 2 submitters: Uncertain significance (2). Last evaluated 2024-12-27.

Conditions:
Multiple gastrointestinal atresias. Also called: FAMILIAL INTESTINAL POLYATRESIA SYNDROME; Multiple intestinal atresia. Identifiers: Orphanet 2300, MedGen C0220744, MONDO:0009465.

Allele frequency attached by ClinVar (database versions not stated): gnomAD 0.00001; ExAC 0.00002; gnomAD exomes 0.00003.
gnomAD v4.1: 40 of 1,611,708 alleles (0.0025%); highest among the groups gnomAD compares: African/African-American, 0.0053%; no homozygotes.

Submissions (2):

Labcorp Genetics (formerly Invitae), Labcorp
Classification: Uncertain significance for Multiple gastrointestinal atresias. Last evaluated: 2024-12-27. Review status: criteria provided, single submitter. Criteria: Invitae Variant Classification Sherloc (09022015). Collection method: clinical testing. Allele origin: germline.
Comment: This sequence change falls in intron 9 of the TTC7A gene. It does not directly change the encoded amino acid sequence of the TTC7A protein. It affects a nucleotide within the consensus splice site. This variant is present in population databases (rs780472175, gnomAD 0.01%). This variant has not been reported in the literature in individuals affected with TTC7A-related conditions. ClinVar contains an entry for this variant (Variation ID: 2082827). Variants that disrupt the consensus splice site are a relatively common cause of aberrant splicing (PMID: 17576681, 9536098). Algorithms developed to predict the effect of sequence changes on RNA splicing suggest that this variant is not likely to affect RNA splicing. In summary, the available evidence is currently insufficient to determine the role of this variant in disease. Therefore, it has been classified as a Variant of Uncertain Significance.

Women's Health and Genetics/Laboratory Corporation of America, LabCorp
Classification: Uncertain significance. Last evaluated: 2024-06-17. Review status: criteria provided, single submitter. Criteria: LabCorp Variant Classification Summary - May 2015. Collection method: clinical testing. Allele origin: germline.

Literature cited by the submitters: PubMed 17576681 (cited by Labcorp Genetics (formerly Invitae), Labcorp); PubMed 9536098 (cited by Labcorp Genetics (formerly Invitae), Labcorp).